The following is an entry in ClinVar:

NM_004725.4(BUB3):c.11C>G (p.Ser4Cys)

Gene: BUB3 (BUB3 mitotic checkpoint protein; plus strand). Cytogenetic location: 10q26.13.
Variant type: single nucleotide variant.
Coding change: c.11C>G on transcript NM_004725.4 (MANE Select); coding-DNA position 11, C replaced by G.
Protein change: p.Ser4Cys; replaces serine 4 with cysteine.
Molecular consequence: missense variant.
Genome position (GRCh38, 1-based): chr10:123,154,928, C>G. VCF-style: chr10-123154928-C-G. GRCh37 (hg19) VCF-style: chr10-124914444-C-G.
Other names: c.11C>G, p.Ser4Cys (NM_001007793.3); short protein forms S4C.
Identifiers: ClinVar variation 1747033 (VCV001747033.2), dbSNP rs775350514, ClinGen allele CA5731470.

ClinVar aggregate classification (germline): Uncertain significance (1 of 4 stars; one submission).

Allele frequency attached by ClinVar (database versions not stated): gnomAD exomes below 0.00001; TOPMed below 0.00001; gnomAD 0.00001; ExAC 0.00003.
gnomAD v4.1: 3 of 1,613,450 alleles (0.00019%); highest among the groups gnomAD compares: African/African-American, 0.0013%; no homozygotes.

Submission:

Ambry Genetics
Classification: Uncertain significance. Last evaluated: 2022-09-12. Review status: criteria provided, single submitter. Criteria: Ambry Variant Classification Scheme 2023. Collection method: clinical testing. Allele origin: germline.
Comment: The p.S4C variant (also known as c.11C>G), located in coding exon 1 of the BUB3 gene, results from a C to G substitution at nucleotide position 11. The serine at codon 4 is replaced by cysteine, an amino acid with dissimilar properties. This amino acid position is conserved. In addition, this alteration is predicted to be tolerated by in silico analysis. Since supporting evidence is limited at this time, the clinical significance of this alteration remains unclear.